The following is an entry in ClinVar:

NM_206933.4(USH2A):c.6002G>A (p.Arg2001His)

Gene: USH2A (usherin; minus strand). Cytogenetic location: 1q41.
Variant type: single nucleotide variant.
Coding change: c.6002G>A on transcript NM_206933.4 (MANE Select); coding-DNA position 6002, G replaced by A.
Protein change: p.Arg2001His; replaces arginine 2001 with histidine.
Molecular consequence: missense variant.
Genome position (GRCh38, 1-based): chr1:216,070,148, C>T on the plus strand (G>A on the coding strand, the complement: USH2A is on the minus strand). VCF-style: chr1-216070148-C-T. GRCh37 (hg19) VCF-style: chr1-216243490-C-T.
Other names: c.6002G>A (NM_206933.3, NM_206933.2); short protein forms R2001H.
Identifiers: ClinVar variation 2179680 (VCV002179680.5), dbSNP rs759963430, ClinGen allele CA1395277.

ClinVar aggregate classification (germline): Uncertain significance. Review status: criteria provided, multiple submitters, no conflicts (2 of 4 stars). 5 submissions from 5 submitters: Uncertain significance (5). Last evaluated 2025-06-04.

Conditions:
USH2A-related disorder. Also called: USH2A-related disorders; USH2A-related condition. Identifiers: MedGen CN239332.

Allele frequency attached by ClinVar (database versions not stated): ExAC 0.00001; gnomAD 0.00001; TOPMed 0.00001.
gnomAD v4.1: 24 of 1,613,836 alleles (0.0015%); highest among the groups gnomAD compares: Admixed American, 0.0033%; no homozygotes.

Submissions (5):

Revvity Omics, Revvity
Classification: Uncertain significance. Last evaluated: 2025-06-04. Review status: criteria provided, single submitter. Criteria: ACMG Guidelines, 2015. Collection method: clinical testing. Allele origin: germline.

PreventionGenetics, part of Exact Sciences
Classification: Uncertain significance for USH2A-related condition. Last evaluated: 2025-04-25. Review status: criteria provided, single submitter. Criteria: ACMG Guidelines, 2015. Collection method: clinical testing. Allele origin: germline.
Comment: The USH2A c.6002G>A variant is predicted to result in the amino acid substitution p.Arg2001His. To our knowledge, this variant has not been reported in the literature. An alternate nucleotide change impacting the same amino acid position (p.Arg2001Cys) has been reported in individuals with retinitis pigmentosa or hearing loss (Table S4, Xu et al. 2014. PubMed ID: 24938718; Table S2, Ma et al. 2023. PubMed ID: 36597107). This variant is reported in 0.00088% of alleles in individuals of European (Non-Finnish) descent in gnomAD. At this time, the clinical significance of this variant is uncertain due to the absence of conclusive functional and genetic evidence.

GeneDx
Classification: Uncertain significance. Last evaluated: 2024-10-28. Review status: criteria provided, single submitter. Criteria: GeneDx Variant Classification Process June 2021. Collection method: clinical testing. Allele origin: germline. Affected: yes.
Comment: Not observed at significant frequency in large population cohorts (gnomAD); Has not been previously published as pathogenic or benign to our knowledge; In silico analysis indicates that this missense variant does not alter protein structure/function

Blueprint Genetics
Classification: Uncertain significance. Last evaluated: 2023-01-10. Review status: criteria provided, single submitter. Criteria: ACMG Guidelines, 2015. Collection method: clinical testing. Allele origin: germline.

Labcorp Genetics (formerly Invitae), Labcorp
Classification: Uncertain significance. Last evaluated: 2022-09-13. Review status: criteria provided, single submitter. Criteria: Invitae Variant Classification Sherloc (09022015). Collection method: clinical testing. Allele origin: germline.
Comment: This sequence change replaces arginine, which is basic and polar, with histidine, which is basic and polar, at codon 2001 of the USH2A protein (p.Arg2001His). This variant is present in population databases (rs759963430, gnomAD 0.0009%). This variant has not been reported in the literature in individuals affected with USH2A-related conditions. Advanced modeling of protein sequence and biophysical properties (such as structural, functional, and spatial information, amino acid conservation, physicochemical variation, residue mobility, and thermodynamic stability) performed at Invitae indicates that this missense variant is not expected to disrupt USH2A protein function. In summary, the available evidence is currently insufficient to determine the role of this variant in disease. Therefore, it has been classified as a Variant of Uncertain Significance.